The following is an entry in ClinVar:

NM_004393.6(DAG1):c.181G>A (p.Val61Ile)

Gene: DAG1 (dystroglycan 1; plus strand). Cytogenetic location: 3p21.31.
Variant type: single nucleotide variant.
Coding change: c.181G>A on transcript NM_004393.6 (MANE Select); coding-DNA position 181, G replaced by A.
Protein change: p.Val61Ile; replaces valine 61 with isoleucine.
Molecular consequence: missense variant.
Genome position (GRCh38, 1-based): chr3:49,510,715, G>A. VCF-style: chr3-49510715-G-A. GRCh37 (hg19) VCF-style: chr3-49548148-G-A.
Other names: c.181G>A, p.Val61Ile (NM_001165928.4, NM_001177634.3, NM_001177635.3 and 9 more transcripts); short protein forms V61I.
Identifiers: ClinVar variation 1391264 (VCV001391264.6), dbSNP rs2107648206, ClinGen allele CA352800643.
Genomic context (GRCh38, chr3:49,510,715, plus strand): 5'-GACTGGGAAAACCAGCTTGAGGCATCCATGCACTCAGTGCTCTCAGACCTCCACGAGGCT[G>A]TTCCCACAGTGGTTGGCATTCCTGATGGCACGGCTGTCGTCGGGCGCTCATTTCGAGTGA-3'
Protein context (NP_004384.5, residues 51-71): HSVLSDLHEA[Val61Ile]PTVVGIPDGT

ClinVar aggregate classification (germline): Uncertain significance (1 of 4 stars; one submission).

Conditions:
Autosomal recessive limb-girdle muscular dystrophy type 2P. Also called: Limb-Girdle Muscular Dystrophy Type 9C; MUSCULAR DYSTROPHY, LIMB-GIRDLE, TYPE 2P; MUSCULAR DYSTROPHY-DYSTROGLYCANOPATHY, LIMB-GIRDLE, DAG1-RELATED. Identifiers: Orphanet 280333, MedGen C4511963, MONDO:0013440, OMIM 613818.
Muscular dystrophy-dystroglycanopathy (congenital with brain and eye anomalies), type A9. Also called: Muscular dystrophy-dystroglycanopathy (congenital with brain and eye anomalies), type a, 9; WALKER-WARBURG SYNDROME OR MUSCLE-EYE BRAIN DISEASE, DAG1-RELATED. Identifiers: Orphanet 370997, Orphanet 899, MedGen C4225291, MONDO:0014683, OMIM 616538.

gnomAD v4.1: 1 of 1,614,208 alleles (0.000062%); highest among the groups gnomAD compares: Non-Finnish European, 0.000085%; no homozygotes.

Submission:

Labcorp Genetics (formerly Invitae), Labcorp
Classification: Uncertain significance for Autosomal recessive limb-girdle muscular dystrophy type 2P; Muscular dystrophy-dystroglycanopathy (congenital with brain and eye anomalies), type A9. Last evaluated: 2021-11-17. Review status: criteria provided, single submitter. Criteria: Invitae Variant Classification Sherloc (09022015). Collection method: clinical testing. Allele origin: germline.
Comment: This variant is not present in population databases (gnomAD no frequency). This sequence change replaces valine, which is neutral and non-polar, with isoleucine, which is neutral and non-polar, at codon 61 of the DAG1 protein (p.Val61Ile). This variant has not been reported in the literature in individuals affected with DAG1-related conditions. In summary, the available evidence is currently insufficient to determine the role of this variant in disease. Therefore, it has been classified as a Variant of Uncertain Significance. Algorithms developed to predict the effect of missense changes on protein structure and function output the following: SIFT: "Tolerated"; PolyPhen-2: "Benign"; Align-GVGD: "Class C0". The isoleucine amino acid residue is found in multiple mammalian species, which suggests that this missense change does not adversely affect protein function.